The following is an entry in ClinVar:

NM_002472.3(MYH8):c.5350C>G (p.Arg1784Gly)

Genes: MYH8 (myosin heavy chain 8; minus strand), MYHAS (myosin heavy chain gene cluster antisense RNA; plus strand), LOC126862493 (BRD4-independent group 4 enhancer GRCh37_chr17:10295275-10296474; plus strand). Cytogenetic location: 17p13.1.
Variant type: single nucleotide variant.
Coding change: c.5350C>G on transcript NM_002472.3 (MANE Select); coding-DNA position 5350, C replaced by G.
Protein change: p.Arg1784Gly; replaces arginine 1784 with glycine.
Molecular consequence: missense variant.
Genome position (GRCh38, 1-based): chr17:10,392,944, G>C on the plus strand (C>G on the coding strand, the complement: MYH8 is on the minus strand). VCF-style: chr17-10392944-G-C. GRCh37 (hg19) VCF-style: chr17-10296261-G-C.
Other names: short protein forms R1784G.
Identifiers: ClinVar variation 211567 (VCV000211567.43), dbSNP rs141215006, ClinGen allele CA207949.

ClinVar aggregate classification (germline): Conflicting classifications of pathogenicity. Review status: criteria provided, conflicting classifications (1 of 4 stars). 8 submissions from 8 submitters: Uncertain significance (1); Benign (3); Likely benign (4). Last evaluated 2026-03-01.

Conditions:
Inborn genetic diseases. Identifiers: MedGen C0950123, MeSH D030342.
Hecht syndrome (DA7). Also called: Dutch-Kentucky syndrome; MOUTH, INABILITY TO OPEN COMPLETELY, AND SHORT FINGER-FLEXOR TENDONS. Identifiers: Orphanet 3377, MedGen C0265226, MONDO:0008016, OMIM 158300. Disease mechanism: gain of function.

Allele frequency attached by ClinVar (database versions not stated): 1000 Genomes Project 30x 0.00406; TOPMed 0.00430; ESP Exome Variant Server 0.00431; 1000 Genomes Project 0.00459; gnomAD 0.00462; ExAC 0.00604.
gnomAD v4.1: 11,767 of 1,614,100 alleles (0.73%); highest among the groups gnomAD compares: Non-Finnish European, 0.85%; 62 homozygotes.

Submissions (8):

CeGaT Center for Human Genetics Tuebingen
Classification: Likely benign. Last evaluated: 2026-03-01. Review status: criteria provided, single submitter. Criteria: CeGaT Center For Human Genetics Tuebingen Variant Classification Criteria Version 2. Collection method: clinical testing. Allele origin: germline. Affected: yes. Observed: 10 variant alleles.
Comment: MYH8: PP3, BS2

GeneDx
Classification: Benign. Last evaluated: 2020-11-16. Review status: criteria provided, single submitter. Criteria: GeneDx Variant Classification Process June 2021. Collection method: clinical testing. Allele origin: germline. Affected: yes.
Comment: This variant is associated with the following publications: (PMID: 29565416)

Labcorp Genetics (formerly Invitae), Labcorp
Classification: Benign. Last evaluated: 2019-12-31. Review status: criteria provided, single submitter. Criteria: Invitae Variant Classification Sherloc (09022015). Collection method: clinical testing. Allele origin: germline.

Mendelics
Classification: Likely benign for Hecht syndrome. Last evaluated: 2019-05-28. Review status: criteria provided, single submitter. Criteria: Mendelics Assertion Criteria 2017. Collection method: clinical testing. Allele origin: unknown.

Illumina Laboratory Services, Illumina
Classification: Likely benign for Hecht syndrome. Last evaluated: 2018-01-12. Review status: criteria provided, single submitter. Criteria: ICSL Variant Classification Criteria 13 December 2019. Collection method: clinical testing. Allele origin: germline.
Comment: This variant was observed in the ICSL laboratory as part of a predisposition screen in an ostensibly healthy population. It had not been previously curated by ICSL or reported in the Human Gene Mutation Database (HGMD: prior to June 1st, 2018), and was therefore a candidate for classification through an automated scoring system. Utilizing variant allele frequency, disease prevalence and penetrance estimates, and inheritance mode, an automated score was calculated to assess if this variant is too frequent to cause the disease. Based on the score and internal cut-off values, a variant classified as likely benign is not then subjected to further curation. The score for this variant resulted in a classification of likely benign for this disease.

Genetic Services Laboratory, University of Chicago
Classification: Likely benign. Last evaluated: 2015-03-11. Review status: criteria provided, single submitter. Criteria: ACMG Guidelines, 2015. Collection method: clinical testing. Allele origin: germline.

Ambry Genetics
Classification: Uncertain significance for Inborn genetic diseases. Last evaluated: 2014-03-31. Review status: criteria provided, single submitter. Criteria: Ambry Autosomal Dominant and X-Linked criteria (10/2015). Collection method: clinical testing. Allele origin: germline. Observed: 1 variant allele.
Comment: Based on data from the NHLBI Exome Sequencing Project (ESP), the G-allele has an overall frequency of approximately 0.42% (45/10754) total alleles studied. The G-allele was observed in 0.58% (41/7016) European American alleles and in 0.11% (4/3738) African American alleles studied and was not observed in the homozygous state out of 5377 individuals studied. Based on data from the 1000 Genomes Project, the G-allele has an overall frequency of approximately 0.32% (7/2188) and the highest frequency was in 1.82% (2/110) 1.82% Puerto Rican chromosomes studied.The R1784 amino acid is highly conserved among available vertebrate species.This alteration is predicted to be probably damaging with a score of 0.961 (sensitivity: 0.62; specificity: 0.92)This alteration is predicted to be deleterious with a score of 0.000 (conservation: 3.05)

PreventionGenetics, part of Exact Sciences
Classification: Benign. Review status: criteria provided, single submitter. Criteria: ACMG Guidelines, 2015. Collection method: clinical testing. Allele origin: germline.